The following is an entry in ClinVar:

NM_000289.6(PFKM):c.1607del (p.Gly535_Ser536insTer)

Gene: PFKM (phosphofructokinase, muscle; plus strand). Cytogenetic location: 12q13.11.
Variant type: Deletion.
Coding change: c.1607del on transcript NM_000289.6 (MANE Select); coding-DNA position 1607, one base deleted (C; older notation c.1607delC).
Protein change: p.Gly535_Ser536insTer.
Molecular consequence: nonsense. On other transcripts: non-coding transcript variant (6).
Genome position (GRCh38, 1-based): chr12:48,142,020, C deleted. VCF-style (leftmost placement, unchanged base first): chr12-48142019-TC-T. GRCh37 (hg19) VCF-style: chr12-48535802-TC-T.
Other names: c.1820del, p.Gly606_Ser607insTer (NM_001166686.2, NM_001354737.1, NM_001354738.1 and 1 more transcripts); c.1607del, p.Gly535_Ser536insTer (NM_001166687.2, NM_001166688.2, NM_001354742.2 and 2 more transcripts); c.1916del, p.Gly638_Ser639insTer (NM_001354735.1, NM_001354736.1); c.1751del, p.Gly583_Ser584insTer (NM_001354740.1); c.1631del, p.Gly543_Ser544insTer (NM_001354741.2); c.1520del, p.Gly506_Ser507insTer (NM_001354745.2); c.1481del, p.Gly493_Ser494insTer (NM_001354746.2); c.1457del, p.Gly485_Ser486insTer (NM_001354747.2, NM_001354748.2); and 1 more.
Identifiers: ClinVar variation 1068782 (VCV001068782.10), dbSNP rs866260025, ClinGen allele CA236518310.

ClinVar aggregate classification (germline): Pathogenic/Likely pathogenic. Review status: criteria provided, multiple submitters, no conflicts (2 of 4 stars). 3 submissions from 3 submitters: Pathogenic (2); Likely pathogenic (1). Last evaluated 2026-06-24.

Conditions:
Glycogen storage disease, type VII (GSD7). Also called: MUSCLE PHOSPHOFRUCTOKINASE DEFICIENCY; GSD VII; PFKM DEFICIENCY; TARUI DISEASE. Identifiers: Orphanet 371, MedGen C0017926, MONDO:0009295, OMIM 232800.

Allele frequency attached by ClinVar (database versions not stated): gnomAD exomes below 0.00001.

Submissions (3):

Myriad Genetics, Inc.
Classification: Pathogenic for Glycogen storage disease, type VII. Last evaluated: 2026-06-24. Review status: criteria provided, single submitter. Criteria: Myriad Autosomal Dominant, Autosomal Recessive and X-Linked Classification Criteria (2023). Collection method: clinical testing. Allele origin: unknown.
Comment: NM_001166686.1(PFKM):c.1820delC(S607*) is a nonsense variant classified as pathogenic in the context of glycogen storage disease, PFKM-related. S607* has not been observed in cases with relevant disease. Relevant functional assessments of this variant are not available in the literature. S607* has not been observed in referenced population frequency databases. In summary, NM_001166686.1(PFKM):c.1820delC(S607*) is a nonsense variant in a gene where loss of function is a known mechanism of disease and is predicted to disrupt protein function. Please note: this variant was assessed in the context of healthy population screening.

Baylor Genetics
Classification: Likely pathogenic for Glycogen storage disease, type VII. Last evaluated: 2024-01-25. Review status: criteria provided, single submitter. Criteria: ACMG Guidelines, 2015. Collection method: clinical testing. Allele origin: unknown.

Labcorp Genetics (formerly Invitae), Labcorp
Classification: Pathogenic for Glycogen storage disease, type VII. Last evaluated: 2022-02-03. Review status: criteria provided, single submitter. Criteria: Invitae Variant Classification Sherloc (09022015). Collection method: clinical testing. Allele origin: germline.
Comment: This variant is not present in population databases (gnomAD no frequency). This sequence change creates a premature translational stop signal (p.Ser536*) in the PFKM gene. It is expected to result in an absent or disrupted protein product. Loss-of-function variants in PFKM are known to be pathogenic (PMID: 7825568, 8037209). This variant has not been reported in the literature in individuals affected with PFKM-related conditions. For these reasons, this variant has been classified as Pathogenic. ClinVar contains an entry for this variant (Variation ID: 1068782).

Literature cited by the submitters: PubMed 7825568 (cited by Labcorp Genetics (formerly Invitae), Labcorp); PubMed 8037209 (cited by Labcorp Genetics (formerly Invitae), Labcorp).